The following is an entry in ClinVar:

ClinVar aggregate classification (germline): Likely benign (1 of 4 stars; one submission).

Submission:

CeGaT Center for Human Genetics Tuebingen
Classification: Likely benign. Last evaluated: 2026-08-01. Review status: criteria provided, single submitter. Criteria: CeGaT Center For Human Genetics Tuebingen Variant Classification Criteria Version 2. Collection method: clinical testing. Allele origin: germline. Affected: yes. Observed: 1 variant allele.
Comment: MYH7: PM2:Supporting, BP4, BP7

NM_000257.4(MYH7):c.246C>G (p.Pro82=)

Gene: MYH7 (myosin heavy chain 7; minus strand). Cytogenetic location: 14q11.2.
Variant type: single nucleotide variant.
Coding change: c.246C>G on transcript NM_000257.4 (MANE Select); coding-DNA position 246, C replaced by G.
Protein change: p.Pro82=; no amino-acid change (proline 82 retained).
Molecular consequence: synonymous variant.
Genome position (GRCh38, 1-based): chr14:23,433,183, G>C on the plus strand (C>G on the coding strand, the complement: MYH7 is on the minus strand). VCF-style: chr14-23433183-G-C. GRCh37 (hg19) VCF-style: chr14-23902392-G-C.
Other names: c.246C>G, p.Pro82= (NM_001407004.1).
Identifiers: ClinVar variation 5040599 (VCV005040599.1).